The following is an entry in ClinVar:

NM_005228.5(EGFR):c.1998C>G (p.Leu666=)

Gene: EGFR (epidermal growth factor receptor; plus strand). Cytogenetic location: 7p11.2.
Variant type: single nucleotide variant.
Coding change: c.1998C>G on transcript NM_005228.5 (MANE Select); coding-DNA position 1998, C replaced by G.
Protein change: p.Leu666=; no amino-acid change (leucine 666 retained).
Molecular consequence: synonymous variant.
Genome position (GRCh38, 1-based): chr7:55,173,061, C>G. VCF-style: chr7-55173061-C-G. GRCh37 (hg19) VCF-style: chr7-55240754-C-G.
Other names: c.1863C>G, p.Leu621= (NM_001346897.2, NM_001346899.2); c.1998C>G, p.Leu666= (NM_001346898.2); c.1839C>G, p.Leu613= (NM_001346900.2); c.1197C>G, p.Leu399= (NM_001346941.2).
Identifiers: ClinVar variation 1147318 (VCV001147318.21), dbSNP rs779909747, ClinGen allele CA4265933.

ClinVar aggregate classification (germline): Conflicting classifications of pathogenicity. Review status: criteria provided, conflicting classifications (1 of 4 stars). 6 submissions from 6 submitters: Uncertain significance (1); Likely benign (5). Last evaluated 2026-07-01.

Conditions:
Hereditary cancer-predisposing syndrome. Also called: Neoplastic Syndromes, Hereditary; Hereditary neoplastic syndrome; Tumor predisposition; Hereditary Cancer Syndrome. Identifiers: Orphanet 140162, MedGen C0027672, MeSH D009386, MONDO:0015356.
EGFR-related lung cancer (EGFR). Identifiers: MedGen CN130014.

Allele frequency attached by ClinVar (database versions not stated): ExAC 0.00004; gnomAD exomes 0.00004.
gnomAD v4.1: 31 of 1,613,628 alleles (0.0019%); highest among the groups gnomAD compares: Admixed American, 0.0033%; no homozygotes.

Submissions (6):

CeGaT Center for Human Genetics Tuebingen
Classification: Likely benign. Last evaluated: 2026-07-01. Review status: criteria provided, single submitter. Criteria: CeGaT Center For Human Genetics Tuebingen Variant Classification Criteria Version 2. Collection method: clinical testing. Allele origin: germline. Affected: yes. Observed: 2 variant alleles.
Comment: EGFR: BP4, BP7

Ambry Genetics
Classification: Likely benign for Hereditary cancer-predisposing syndrome. Last evaluated: 2024-11-23. Review status: criteria provided, single submitter. Criteria: Ambry Variant Classification Scheme 2023. Collection method: clinical testing. Allele origin: germline.

Labcorp Genetics (formerly Invitae), Labcorp
Classification: Likely benign for EGFR-related lung cancer. Last evaluated: 2024-10-29. Review status: criteria provided, single submitter. Criteria: Invitae Variant Classification Sherloc (09022015). Collection method: clinical testing. Allele origin: germline.

Blueprint Genetics
Classification: Likely benign. Last evaluated: 2024-10-10. Review status: criteria provided, single submitter. Criteria: ACMG Guidelines, 2015. Collection method: clinical testing. Allele origin: germline.

Institute for Clinical Genetics, University Hospital TU Dresden, University Hospital TU Dresden
Classification: Uncertain significance. Last evaluated: 2021-11-03. Review status: criteria provided, single submitter. Criteria: ACMG Guidelines, 2015. Collection method: clinical testing. Allele origin: germline.

Sema4
Classification: Likely benign for Hereditary cancer-predisposing syndrome. Last evaluated: 2021-03-09. Review status: criteria provided, single submitter. Criteria: Sema4 Curation Guidelines. Collection method: curation. Allele origin: germline.